The following is an entry in ClinVar:

ClinVar aggregate classification (germline): Uncertain significance. Review status: criteria provided, multiple submitters, no conflicts (2 of 4 stars). 2 submissions from 2 submitters: Uncertain significance (2). Last evaluated 2025-04-17.

Conditions:
Retinitis pigmentosa 12 (RP12). Also called: RP WITH OR WITHOUT PPRPE; RP WITH OR WITHOUT PRESERVED PARAARTERIOLE RETINAL PIGMENT EPITHELIUM; RETINITIS PIGMENTOSA WITH OR WITHOUT PARAARTERIOLAR PRESERVATION OF RETINAL PIGMENT EPITHELIUM. Identifiers: Orphanet 791, MedGen C1838647, MONDO:0010818, OMIM 600105.
Leber congenital amaurosis 8 (LCA8). Identifiers: Orphanet 65, MedGen C3151202, MONDO:0013453, OMIM 613835.

Submissions (2):

Labcorp Genetics (formerly Invitae), Labcorp
Classification: Uncertain significance for Leber congenital amaurosis 8; Retinitis pigmentosa 12. Last evaluated: 2025-04-17. Review status: criteria provided, single submitter. Criteria: Invitae Variant Classification Sherloc (09022015). Collection method: clinical testing. Allele origin: germline.
Comment: This sequence change replaces cysteine, which is neutral and slightly polar, with glycine, which is neutral and non-polar, at codon 438 of the CRB1 protein (p.Cys438Gly). This variant is not present in population databases (gnomAD no frequency). This missense change has been observed in individual(s) with retinoschisis (internal data). Invitae Evidence Modeling of protein sequence and biophysical properties (such as structural, functional, and spatial information, amino acid conservation, physicochemical variation, residue mobility, and thermodynamic stability) has been performed for this missense variant. However, the output from this modeling did not meet the statistical confidence thresholds required to predict the impact of this variant on CRB1 protein function. This variant disrupts the p.Cys438 amino acid residue in CRB1. Other variant(s) that disrupt this residue have been determined to be pathogenic (internal data). This suggests that this residue is clinically significant, and that variants that disrupt this residue are likely to be disease-causing. In summary, the available evidence is currently insufficient to determine the role of this variant in disease. Therefore, it has been classified as a Variant of Uncertain Significance.

Blueprint Genetics
Classification: Uncertain significance. Last evaluated: 2021-10-21. Review status: criteria provided, single submitter. Criteria: ACMG Guidelines, 2015. Collection method: clinical testing. Allele origin: germline.

NM_201253.3(CRB1):c.1312T>G (p.Cys438Gly)

Gene: CRB1 (crumbs cell polarity complex component 1; plus strand). Cytogenetic location: 1q31.3.
Variant type: single nucleotide variant.
Coding change: c.1312T>G on transcript NM_201253.3 (MANE Select); coding-DNA position 1312, T replaced by G.
Protein change: p.Cys438Gly; replaces cysteine 438 with glycine.
Molecular consequence: missense variant. On other transcripts: non-coding transcript variant (2).
Genome position (GRCh38, 1-based): chr1:197,421,140, T>G. VCF-style: chr1-197421140-T-G. GRCh37 (hg19) VCF-style: chr1-197390270-T-G.
Other names: c.976T>G, p.Cys326Gly (NM_001193640.2); c.1105T>G, p.Cys369Gly (NM_001257965.2); c.1312T>G, p.Cys438Gly (NM_001257966.2); short protein forms C326G, C369G, C438G.
Identifiers: ClinVar variation 4791217 (VCV004791217.2).
Genomic context (GRCh38, chr1:197,421,140, plus strand): 5'-AATTATACTTGCCATTGCCCATTTGATAACCTTTCTAGAACTTTTTATGGAGGAAGGGAC[T>G]GTTCTGATATTCTCCTGGGCTGTACCCATCAGCAATGTCTAAATAATGGAACATGCATCC-3'
Protein context (NP_957705.1, residues 428-448): LSRTFYGGRD[Cys438Gly]SDILLGCTHQ